The following is an entry in ClinVar:

ClinVar aggregate classification (germline): Uncertain significance. Review status: criteria provided, multiple submitters, no conflicts (2 of 4 stars). 4 submissions from 4 submitters: Uncertain significance (4). Last evaluated 2024-01-16.

Conditions:
Hereditary cancer-predisposing syndrome. Also called: Tumor predisposition; Neoplastic Syndromes, Hereditary; Hereditary Cancer Syndrome; Hereditary neoplastic syndrome. Identifiers: Orphanet 140162, MedGen C0027672, MeSH D009386, MONDO:0015356.
Familial cancer of breast. Also called: Hereditary breast cancer; BREAST CANCER, FAMILIAL; hereditary breast carcinoma. Identifiers: Orphanet 227535, MedGen C0346153, MONDO:0016419, OMIM 114480. Disease mechanism: loss of function.
Ataxia-telangiectasia syndrome (AT). Also called: ATAXIA-TELANGIECTASIA, COMPLEMENTATION GROUP A; ATAXIA-TELANGIECTASIA, FRESNO VARIANT; Ataxia-telangiectasia; Ataxia-telangiectasia, complementation group D; AT, COMPLEMENTATION GROUP C; Ataxia-telangiectasia, complementation group E. Identifiers: Orphanet 100, MedGen C0004135, MONDO:0008840, OMIM 208900.

Submissions (4):

Baylor Genetics
Classification: Uncertain significance for Familial cancer of breast. Last evaluated: 2024-01-16. Review status: criteria provided, single submitter. Criteria: ACMG Guidelines, 2015. Collection method: clinical testing. Allele origin: unknown.

GeneDx
Classification: Uncertain significance. Last evaluated: 2023-11-21. Review status: criteria provided, single submitter. Criteria: GeneDx Variant Classification Process June 2021. Collection method: clinical testing. Allele origin: germline. Affected: yes.
Comment: Not observed at significant frequency in large population cohorts (gnomAD); In silico analysis supports that this missense variant has a deleterious effect on protein structure/function; Has not been previously published as pathogenic or benign to our knowledge; This variant is associated with the following publications: (PMID: 23532176)

Labcorp Genetics (formerly Invitae), Labcorp
Classification: Uncertain significance for Ataxia-telangiectasia syndrome. Last evaluated: 2022-07-06. Review status: criteria provided, single submitter. Criteria: Invitae Variant Classification Sherloc (09022015). Collection method: clinical testing. Allele origin: germline.
Comment: This sequence change replaces threonine, which is neutral and polar, with isoleucine, which is neutral and non-polar, at codon 2902 of the ATM protein (p.Thr2902Ile). This variant is not present in population databases (gnomAD no frequency). This variant has not been reported in the literature in individuals affected with ATM-related conditions. ClinVar contains an entry for this variant (Variation ID: 822671). Algorithms developed to predict the effect of missense changes on protein structure and function (SIFT, PolyPhen-2, Align-GVGD) all suggest that this variant is likely to be disruptive. In summary, the available evidence is currently insufficient to determine the role of this variant in disease. Therefore, it has been classified as a Variant of Uncertain Significance.

Ambry Genetics
Classification: Uncertain significance for Hereditary cancer-predisposing syndrome. Last evaluated: 2019-09-24. Review status: criteria provided, single submitter. Criteria: Ambry Variant Classification Scheme 2023. Collection method: clinical testing. Allele origin: germline.
Comment: The p.T2902I variant (also known as c.8705C>T), located in coding exon 59 of the ATM gene, results from a C to T substitution at nucleotide position 8705. The threonine at codon 2902 is replaced by isoleucine, an amino acid with similar properties. This amino acid position is highly conserved in available vertebrate species. In addition, the in silico prediction for this alteration is inconclusive. Since supporting evidence is limited at this time, the clinical significance of this alteration remains unclear.

NM_000051.4(ATM):c.8705C>T (p.Thr2902Ile)

Genes: ATM (ATM serine/threonine kinase; plus strand), C11orf65 (chromosome 11 open reading frame 65; minus strand). Cytogenetic location: 11q22.3.
Variant type: single nucleotide variant.
Coding change: c.8705C>T on transcript NM_000051.4 (MANE Select); coding-DNA position 8705, C replaced by T.
Protein change: p.Thr2902Ile; replaces threonine 2902 with isoleucine.
Molecular consequence: missense variant. On other transcripts: intron variant (2).
Genome position (GRCh38, 1-based): chr11:108,353,799, C>T. VCF-style: chr11-108353799-C-T. GRCh37 (hg19) VCF-style: chr11-108224526-C-T.
Other names: c.8705C>T, p.Thr2902Ile (NM_001351834.2); c.640+32121G>A (NM_001330368.2); c.695-18507G>A (NM_001351110.2); short protein forms T2902I.
Identifiers: ClinVar variation 822671 (VCV000822671.16), dbSNP rs1591306636, ClinGen allele CA382523722.